The following is an entry in ClinVar:

NM_001303256.3(MORC2):c.1245T>A (p.Asp415Glu)

Gene: MORC2 (MORC family CW-type zinc finger 2; minus strand). Cytogenetic location: 22q12.2.
Variant type: single nucleotide variant.
Coding change: c.1245T>A on transcript NM_001303256.3 (MANE Select); coding-DNA position 1245, T replaced by A.
Protein change: p.Asp415Glu; replaces aspartic acid 415 with glutamic acid.
Molecular consequence: missense variant.
Genome position (GRCh38, 1-based): chr22:30,937,939, A>T on the plus strand (T>A on the coding strand, the complement: MORC2 is on the minus strand). VCF-style: chr22-30937939-A-T. GRCh37 (hg19) VCF-style: chr22-31333926-A-T.
Other names: c.1245T>A, p.Asp415Glu (NM_001303257.2); c.1059T>A, p.Asp353Glu (NM_014941.3); short protein forms D353E, D415E.
Identifiers: ClinVar variation 3023002 (VCV003023002.3), dbSNP rs1602485656, ClinGen allele CA411239033.

ClinVar aggregate classification (germline): Uncertain significance (1 of 4 stars; one submission).

Conditions:
Charcot-Marie-Tooth disease axonal type 2Z. Also called: CHARCOT-MARIE-TOOTH NEUROPATHY, TYPE 2Z; CHARCOT-MARIE-TOOTH DISEASE, AXONAL, AUTOSOMAL DOMINANT, TYPE 2Z. Identifiers: Orphanet 466768, MedGen C5569025, MONDO:0014736, OMIM 616688.

Allele frequency attached by ClinVar (database versions not stated): gnomAD 0.00001; gnomAD exomes 0.00001; TOPMed 0.00001.
gnomAD v4.1: 9 of 1,613,958 alleles (0.00056%); highest among the groups gnomAD compares: Non-Finnish European, 0.00076%; no homozygotes.

Submission:

Labcorp Genetics (formerly Invitae), Labcorp
Classification: Uncertain significance for Charcot-Marie-Tooth disease axonal type 2Z. Last evaluated: 2022-10-21. Review status: criteria provided, single submitter. Criteria: Invitae Variant Classification Sherloc (09022015). Collection method: clinical testing. Allele origin: germline.
Comment: In summary, the available evidence is currently insufficient to determine the role of this variant in disease. Therefore, it has been classified as a Variant of Uncertain Significance. Advanced modeling of protein sequence and biophysical properties (such as structural, functional, and spatial information, amino acid conservation, physicochemical variation, residue mobility, and thermodynamic stability) has been performed at Invitae for this missense variant, however the output from this modeling did not meet the statistical confidence thresholds required to predict the impact of this variant on MORC2 protein function. This variant has not been reported in the literature in individuals affected with MORC2-related conditions. This variant is not present in population databases (gnomAD no frequency). This sequence change replaces aspartic acid, which is acidic and polar, with glutamic acid, which is acidic and polar, at codon 415 of the MORC2 protein (p.Asp415Glu).